The following is an entry in ClinVar:

ClinVar aggregate classification (germline): Uncertain significance (1 of 4 stars; one submission).

Submission:

Labcorp Genetics (formerly Invitae), Labcorp
Classification: Uncertain significance. Last evaluated: 2024-02-12. Review status: criteria provided, single submitter. Criteria: Invitae Variant Classification Sherloc (09022015). Collection method: clinical testing. Allele origin: germline.
Comment: This sequence change replaces methionine, which is neutral and non-polar, with isoleucine, which is neutral and non-polar, at codon 1917 of the POLE protein (p.Met1917Ile). This variant is not present in population databases (gnomAD no frequency). This variant has not been reported in the literature in individuals affected with POLE-related conditions. Advanced modeling of protein sequence and biophysical properties (such as structural, functional, and spatial information, amino acid conservation, physicochemical variation, residue mobility, and thermodynamic stability) performed at Invitae indicates that this missense variant is not expected to disrupt POLE protein function with a negative predictive value of 80%. Algorithms developed to predict the effect of sequence changes on RNA splicing suggest that this variant may disrupt the consensus splice site. In summary, the available evidence is currently insufficient to determine the role of this variant in disease. Therefore, it has been classified as a Variant of Uncertain Significance.

NM_006231.4(POLE):c.5751G>A (p.Met1917Ile)

Gene: POLE (DNA polymerase epsilon, catalytic subunit; minus strand). Cytogenetic location: 12q24.33.
Variant type: single nucleotide variant.
Coding change: c.5751G>A on transcript NM_006231.4 (MANE Select); coding-DNA position 5751, G replaced by A.
Protein change: p.Met1917Ile; replaces methionine 1917 with isoleucine.
Molecular consequence: missense variant.
Genome position (GRCh38, 1-based): chr12:132,635,952, C>T on the plus strand (G>A on the coding strand, the complement: POLE is on the minus strand). VCF-style: chr12-132635952-C-T. GRCh37 (hg19) VCF-style: chr12-133212538-C-T.
Other names: short protein forms M1917I.
Identifiers: ClinVar variation 3700943 (VCV003700943.2).